The following is an entry in ClinVar:

ClinVar aggregate classification (germline): Uncertain significance (1 of 4 stars; one submission).

Conditions:
Familial adenomatous polyposis 1 (FAP1). Also called: FAMILIAL ADENOMATOUS POLYPOSIS 1, ATTENUATED; POLYPOSIS, ADENOMATOUS INTESTINAL. Identifiers: MedGen C2713442, MONDO:0021056, OMIM 175100. Disease mechanism: loss of function.

Submission:

Labcorp Genetics (formerly Invitae), Labcorp
Classification: Uncertain significance for Familial adenomatous polyposis 1. Last evaluated: 2024-07-19. Review status: criteria provided, single submitter. Criteria: Invitae Variant Classification Sherloc (09022015). Collection method: clinical testing. Allele origin: germline.
Comment: This sequence change replaces isoleucine, which is neutral and non-polar, with threonine, which is neutral and polar, at codon 718 of the APC protein (p.Ile718Thr). This variant is not present in population databases (gnomAD no frequency). This variant has not been reported in the literature in individuals affected with APC-related conditions. Advanced modeling of protein sequence and biophysical properties (such as structural, functional, and spatial information, amino acid conservation, physicochemical variation, residue mobility, and thermodynamic stability) performed at Invitae indicates that this missense variant is not expected to disrupt APC protein function with a negative predictive value of 95%. In summary, the available evidence is currently insufficient to determine the role of this variant in disease. Therefore, it has been classified as a Variant of Uncertain Significance.

NM_000038.6(APC):c.2153T>C (p.Ile718Thr)

Gene: APC (APC regulator of Wnt signaling pathway; plus strand). Cytogenetic location: 5q22.2.
Variant type: single nucleotide variant.
Coding change: c.2153T>C on transcript NM_000038.6 (MANE Select); coding-DNA position 2153, T replaced by C.
Protein change: p.Ile718Thr; replaces isoleucine 718 with threonine.
Molecular consequence: missense variant. On other transcripts: non-coding transcript variant (2).
Genome position (GRCh38, 1-based): chr5:112,837,747, T>C. VCF-style: chr5-112837747-T-C. GRCh37 (hg19) VCF-style: chr5-112173444-T-C.
Other names: c.2153T>C, p.Ile718Thr (NM_001127510.3, NM_001354895.2, NM_001407450.1); c.2099T>C, p.Ile700Thr (NM_001127511.3); c.2078T>C, p.Ile693Thr (NM_001354898.2); c.2207T>C, p.Ile736Thr (NM_001354896.2, NM_001407447.1, NM_001407448.1 and 1 more transcripts); c.2069T>C, p.Ile690Thr (NM_001354899.2); c.2183T>C, p.Ile728Thr (NM_001354897.2); c.2030T>C, p.Ile677Thr (NM_001354900.2); c.1976T>C, p.Ile659Thr (NM_001354901.2, NM_001407453.1); and 11 more; short protein forms I558T, I677T, I690T, I711T, I617T, I627T, I718T, I592T.
Identifiers: ClinVar variation 3635418 (VCV003635418.2).